The following is an entry in ClinVar:

NM_000488.4(SERPINC1):c.47T>C (p.Val16Ala)

Gene: SERPINC1 (serpin family C member 1; minus strand). Cytogenetic location: 1q25.1.
Variant type: single nucleotide variant.
Coding change: c.47T>C on transcript NM_000488.4 (MANE Select); coding-DNA position 47, T replaced by C.
Protein change: p.Val16Ala; replaces valine 16 with alanine.
Molecular consequence: missense variant. On other transcripts: 5 prime UTR variant (1).
Genome position (GRCh38, 1-based): chr1:173,914,914, A>G on the plus strand (T>C on the coding strand, the complement: SERPINC1 is on the minus strand). VCF-style: chr1-173914914-A-G. GRCh37 (hg19) VCF-style: chr1-173884052-A-G.
Other names: NM_000488.4(SERPINC1):c.47T>C; p.Val16Ala; c.47T>C, p.Val16Ala (NM_001386304.1, NM_001386305.1, NM_001386306.1 and 1 more transcripts); c.-98T>C (NM_001365052.2); c.128T>C, p.Val43Ala (NM_001386303.1); short protein forms V16A, V43A.
Identifiers: ClinVar variation 876603 (VCV000876603.9), dbSNP rs531137446, ClinGen allele CA1251475.

ClinVar aggregate classification (germline): Likely benign. Review status: reviewed by expert panel (3 of 4 stars). 5 submissions from 5 submitters: Likely benign (1). 4 of the submissions do not count toward it. Last evaluated 2024-08-16.

Conditions:
SERPINC1-related disorder. Also called: SERPINC1-related condition.
Hereditary antithrombin deficiency (AT3D). Also called: Antithrombin deficiency; Thrombophilia due to antithrombin III deficiency; Reduced antithrombin III activity; Antithrombin III deficiency. Identifiers: Orphanet 82, MedGen C0272375, MONDO:0013144, OMIM 613118, HP:0001976.

Allele frequency attached by ClinVar (database versions not stated): gnomAD 0.00008 and 0.00009; TOPMed 0.00008; gnomAD exomes 0.00009 and 0.00014; ExAC 0.00014.
gnomAD v4.1: 156 of 1,613,244 alleles (0.0097%); highest among the groups gnomAD compares: Middle Eastern, 0.12%; no homozygotes.

Submissions (5):

Clingen Thrombosis Variant Curation Expert Panel, ClinGen
Classification: Likely benign for Hereditary antithrombin deficiency. Last evaluated: 2024-08-16. Review status: reviewed by expert panel. Criteria: ClinGen ACMG Specifications SERPINC1 V1.0.0. Collection method: curation. Allele origin: germline. Inheritance: Autosomal dominant inheritance.
Comment: The c.47T>C (NM_000488.3) variant in SERPINC1 is a missense variant predicted to cause substitution of valine by alanine at amino acid residue 16 (p.Val16Ala). The variant is reported at a Grpmax allele frequency of 0.0005418 in gnomAD v4.1 meeting BS1 (>0.0002). The computational predictor REVEL gives a score of 0.146, which is below the threshold of 0.3, and the splice site predictor Splice AI indicate that the variant has no impact on splicing, which suggests that the variant does not impact SERPINC1 function (BP4). In summary, this variant meets criteria to be classified as likely benign. ACMG/AMP criteria applied, as specified by the Thrombosis Variant Curation Expert Panel for SERPINC1: BS1, BP4.

PreventionGenetics, part of Exact Sciences
Classification: Uncertain significance for SERPINC1-related condition. Last evaluated: 2026-03-06. Review status: criteria provided, single submitter. Criteria: ACMG Guidelines, 2015. Collection method: clinical testing. Allele origin: germline. Not counted in ClinVar's aggregate classification.
Comment: The SERPINC1 c.47T>C variant is predicted to result in the amino acid substitution p.Val16Ala. To our knowledge, this variant has not been reported in the literature. This variant is reported in 0.029% of alleles in individuals of South Asian descent in gnomAD. At this time, the clinical significance of this variant is uncertain due to the absence of conclusive functional and genetic evidence.

Blueprint Genetics
Classification: Likely benign. Last evaluated: 2024-08-16. Review status: criteria provided, single submitter. Criteria: ACMG Guidelines, 2015. Collection method: clinical testing. Allele origin: germline. Not counted in ClinVar's aggregate classification.

Labcorp Genetics (formerly Invitae), Labcorp
Classification: Uncertain significance for Hereditary antithrombin deficiency. Last evaluated: 2024-01-07. Review status: criteria provided, single submitter. Criteria: Invitae Variant Classification Sherloc (09022015). Collection method: clinical testing. Allele origin: germline. Not counted in ClinVar's aggregate classification.
Comment: This sequence change replaces valine, which is neutral and non-polar, with alanine, which is neutral and non-polar, at codon 16 of the SERPINC1 protein (p.Val16Ala). This variant is present in population databases (rs531137446, gnomAD 0.03%). This variant has not been reported in the literature in individuals affected with SERPINC1-related conditions. ClinVar contains an entry for this variant (Variation ID: 876603). Algorithms developed to predict the effect of missense changes on protein structure and function output the following: SIFT: "Not Available"; PolyPhen-2: "Benign"; Align-GVGD: "Not Available". The alanine amino acid residue is found in multiple mammalian species, which suggests that this missense change does not adversely affect protein function. In summary, the available evidence is currently insufficient to determine the role of this variant in disease. Therefore, it has been classified as a Variant of Uncertain Significance.

Illumina Laboratory Services, Illumina
Classification: Uncertain significance for Hereditary antithrombin deficiency. Last evaluated: 2018-01-13. Review status: criteria provided, single submitter. Criteria: ICSL Variant Classification Criteria 13 December 2019. Collection method: clinical testing. Allele origin: germline. Not counted in ClinVar's aggregate classification.